The following is an entry in ClinVar:

NM_017849.4(TMEM127):c.634T>A (p.Ser212Thr)

Gene: TMEM127 (transmembrane protein 127; minus strand). Cytogenetic location: 2q11.2.
Variant type: single nucleotide variant.
Coding change: c.634T>A on transcript NM_017849.4 (MANE Select); coding-DNA position 634, T replaced by A.
Protein change: p.Ser212Thr; replaces serine 212 with threonine.
Molecular consequence: missense variant.
Genome position (GRCh38, 1-based): chr2:96,253,891, A>T on the plus strand (T>A on the coding strand, the complement: TMEM127 is on the minus strand). VCF-style: chr2-96253891-A-T. GRCh37 (hg19) VCF-style: chr2-96919629-A-T.
Other names: c.634T>A, p.Ser212Thr (NM_001193304.3); c.382T>A, p.Ser128Thr (NM_001407282.1, NM_001407283.1); short protein forms S128T, S212T.
Identifiers: ClinVar variation 3227091 (VCV003227091.1), dbSNP rs775177724, ClinGen allele CA1777266.

ClinVar aggregate classification (germline): Uncertain significance (1 of 4 stars; one submission).

Conditions:
Hereditary cancer-predisposing syndrome. Also called: Neoplastic Syndromes, Hereditary; Tumor predisposition; Hereditary neoplastic syndrome; Hereditary Cancer Syndrome. Identifiers: Orphanet 140162, MedGen C0027672, MeSH D009386, MONDO:0015356.

Allele frequency attached by ClinVar (database versions not stated): ExAC 0.00001.
gnomAD v4.1: 3 of 1,613,988 alleles (0.00019%); highest among the groups gnomAD compares: South Asian, 0.0033%; no homozygotes.

Submission:

Ambry Genetics
Classification: Uncertain significance for Hereditary cancer-predisposing syndrome. Last evaluated: 2023-12-08. Review status: criteria provided, single submitter. Criteria: Ambry Variant Classification Scheme 2023. Collection method: clinical testing. Allele origin: germline.
Comment: The p.S212T variant (also known as c.634T>A), located in coding exon 3 of the TMEM127 gene, results from a T to A substitution at nucleotide position 634. The serine at codon 212 is replaced by threonine, an amino acid with similar properties. This amino acid position is conserved. In addition, the in silico prediction for this alteration is inconclusive. Since supporting evidence is limited at this time, the clinical significance of this alteration remains unclear.